The following is an entry in ClinVar:

ClinVar aggregate classification (germline): Likely pathogenic (1 of 4 stars; one submission).

Conditions:
Intellectual developmental disorder, X-linked 19. Also called: Intellectual disability, X-linked 19. Identifiers: Orphanet 777, MedGen C0796225, MONDO:0010447, OMIM 300844.
Coffin-Lowry syndrome (CLS). Also called: Mental retardation with osteocartilaginous abnormalities; COFFIN-LOWRY SYNDROME, MILD. Identifiers: Orphanet 192, MedGen C0265252, MONDO:0010561, OMIM 303600.

Submission:

Labcorp Genetics (formerly Invitae), Labcorp
Classification: Likely pathogenic for Coffin-Lowry syndrome; Intellectual developmental disorder, X-linked 19. Last evaluated: 2025-10-18. Review status: criteria provided, single submitter. Criteria: Invitae Variant Classification Sherloc (09022015). Collection method: clinical testing. Allele origin: germline.
Comment: This sequence change affects an acceptor splice site in intron 7 of the RPS6KA3 gene. It is expected to disrupt RNA splicing. Variants that disrupt the donor or acceptor splice site typically lead to a loss of protein function (PMID: 16199547), and loss-of-function variants in RPS6KA3 are known to be pathogenic (PMID: 9837815, 19888300). This variant is not present in population databases (gnomAD no frequency). This variant has not been reported in the literature in individuals affected with RPS6KA3-related conditions. Algorithms developed to predict the effect of sequence changes on RNA splicing suggest that this variant may disrupt the consensus splice site. In summary, the currently available evidence indicates that the variant is pathogenic, but additional data are needed to prove that conclusively. Therefore, this variant has been classified as Likely Pathogenic.

Literature cited by the submitters: PubMed 16199547; PubMed 9837815; PubMed 19888300.

NM_004586.3(RPS6KA3):c.594-1G>A

Gene: RPS6KA3 (ribosomal protein S6 kinase A3; minus strand). Cytogenetic location: Xp22.12.
Variant type: single nucleotide variant.
Coding change: c.594-1G>A on transcript NM_004586.3 (MANE Select); the canonical splice acceptor site of the intron before coding-DNA position 594, G replaced by A.
Molecular consequence: splice acceptor variant.
Genome position (GRCh38, 1-based): chrX:20,188,535, C>T on the plus strand (G>A on the coding strand, the complement: RPS6KA3 is on the minus strand). VCF-style: chrX-20188535-C-T. GRCh37 (hg19) VCF-style: chrX-20206653-C-T.
Other names: c.510-1G>A (NM_001438340.1).
Identifiers: ClinVar variation 4786455 (VCV004786455.1).